The following is an entry in ClinVar:

NM_006147.4(IRF6):c.180G>T (p.Trp60Cys)

Gene: IRF6 (interferon regulatory factor 6; minus strand). Cytogenetic location: 1q32.2.
Variant type: single nucleotide variant.
Coding change: c.180G>T on transcript NM_006147.4 (MANE Select); coding-DNA position 180, G replaced by T.
Protein change: p.Trp60Cys; replaces tryptophan 60 with cysteine.
Molecular consequence: missense variant. On other transcripts: 5 prime UTR variant (1).
Genome position (GRCh38, 1-based): chr1:209,796,547, C>A on the plus strand (G>T on the coding strand, the complement: IRF6 is on the minus strand). VCF-style: chr1-209796547-C-A. GRCh37 (hg19) VCF-style: chr1-209969892-C-A.
Other names: c.-106G>T (NM_001206696.2); short protein forms W60C.
Identifiers: ClinVar variation 4783528 (VCV004783528.1).

ClinVar aggregate classification (germline): Likely pathogenic (1 of 4 stars; one submission).

Conditions:
Orofacial cleft 6, susceptibility to (OFC6). Also called: CLEFT LIP WITH OR WITHOUT CLEFT PALATE, NONSYNDROMIC, 6. Identifiers: MedGen C1837213, MONDO:0012141, OMIM 608864.
Popliteal pterygium syndrome (PPS). Identifiers: Orphanet 294963, MedGen C0265259, MONDO:0017435.
Van der Woude syndrome. Identifiers: Orphanet 888, MedGen C0175697, MONDO:0019508.

Submission:

Labcorp Genetics (formerly Invitae), Labcorp
Classification: Likely pathogenic for Orofacial cleft 6, susceptibility to; Van der Woude syndrome; Popliteal pterygium syndrome. Last evaluated: 2025-02-27. Review status: criteria provided, single submitter. Criteria: Invitae Variant Classification Sherloc (09022015). Collection method: clinical testing. Allele origin: germline.
Comment: This sequence change replaces tryptophan, which is neutral and slightly polar, with cysteine, which is neutral and slightly polar, at codon 60 of the IRF6 protein (p.Trp60Cys). This variant is not present in population databases (gnomAD no frequency). This missense change has been observed in individuals with Van der Woude syndrome (PMID: 19282774; internal data). Invitae Evidence Modeling of protein sequence and biophysical properties (such as structural, functional, and spatial information, amino acid conservation, physicochemical variation, residue mobility, and thermodynamic stability) indicates that this missense variant is expected to disrupt IRF6 protein function with a positive predictive value of 80%. This variant disrupts the p.Trp60 amino acid residue in IRF6. Other variant(s) that disrupt this residue have been observed in individuals with IRF6-related conditions (PMID: 12219090, 37644014), which suggests that this may be a clinically significant amino acid residue. In summary, the currently available evidence indicates that the variant is pathogenic, but additional data are needed to prove that conclusively. Therefore, this variant has been classified as Likely Pathogenic.

Literature cited by the submitters: PubMed 19282774; PubMed 12219090; PubMed 37644014.